The following is an entry in ClinVar:

ClinVar aggregate classification (germline): Uncertain significance (1 of 4 stars; one submission).

Conditions:
Sclerosteosis 2 (SOST2). Identifiers: Orphanet 3152, MedGen C3280402, MONDO:0013679, OMIM 614305.
Congenital myasthenic syndrome 17. Identifiers: Orphanet 590, MedGen C4225377, MONDO:0014578, OMIM 616304.
Cenani-Lenz syndactyly syndrome. Also called: CENANI SYNDACTYLISM; SYNDACTYLY, TYPE VII. Identifiers: Orphanet 3258, MedGen C1859309, MONDO:0008931, OMIM 212780.

Allele frequency attached by ClinVar (database versions not stated): gnomAD exomes below 0.00001.
gnomAD v4.1: 1 of 1,610,668 alleles (0.000062%); highest among the groups gnomAD compares: Non-Finnish European, 0.000085%; no homozygotes.

Submission:

Labcorp Genetics (formerly Invitae), Labcorp
Classification: Uncertain significance for Cenani-Lenz syndactyly syndrome; Sclerosteosis 2; Congenital myasthenic syndrome 17. Last evaluated: 2021-07-26. Review status: criteria provided, single submitter. Criteria: Invitae Variant Classification Sherloc (09022015). Collection method: clinical testing. Allele origin: germline.
Comment: This variant has not been reported in the literature in individuals affected with LRP4-related conditions. This sequence change replaces glycine with glutamic acid at codon 1721 of the LRP4 protein (p.Gly1721Glu). The glycine residue is highly conserved and there is a moderate physicochemical difference between glycine and glutamic acid. This variant is not present in population databases (ExAC no frequency). Algorithms developed to predict the effect of missense changes on protein structure and function are either unavailable or do not agree on the potential impact of this missense change (SIFT: "Deleterious"; PolyPhen-2: "Benign"; Align-GVGD: "Class C0"). In summary, the available evidence is currently insufficient to determine the role of this variant in disease. Therefore, it has been classified as a Variant of Uncertain Significance.

NM_002334.4(LRP4):c.5162G>A (p.Gly1721Glu)

Genes: LRP4 (LDL receptor related protein 4; minus strand), LRP4-AS1 (LRP4 antisense RNA 1; plus strand). Cytogenetic location: 11p11.2.
Variant type: single nucleotide variant.
Coding change: c.5162G>A on transcript NM_002334.4 (MANE Select); coding-DNA position 5162, G replaced by A.
Protein change: p.Gly1721Glu; replaces glycine 1721 with glutamic acid.
Molecular consequence: missense variant.
Genome position (GRCh38, 1-based): chr11:46,864,529, C>T on the plus strand (G>A on the coding strand, the complement: LRP4 is on the minus strand). VCF-style: chr11-46864529-C-T. GRCh37 (hg19) VCF-style: chr11-46886080-C-T.
Other names: short protein forms G1721E.
Identifiers: ClinVar variation 1484894 (VCV001484894.8), dbSNP rs2134765636, ClinGen allele CA380286265.